The following is an entry in ClinVar:

ClinVar aggregate classification (germline): Uncertain significance (1 of 4 stars; one submission).

Allele frequency attached by ClinVar (database versions not stated): gnomAD exomes below 0.00001.
gnomAD v4.1: 4 of 1,614,150 alleles (0.00025%); highest among the groups gnomAD compares: Non-Finnish European, 0.00034%; no homozygotes.

Submission:

Ambry Genetics
Classification: Uncertain significance. Last evaluated: 2023-02-28. Review status: criteria provided, single submitter. Criteria: Ambry Variant Classification Scheme 2023. Collection method: clinical testing. Allele origin: germline.
Comment: The p.G16V variant (also known as c.47G>T), located in coding exon 1 of the MLH3 gene, results from a G to T substitution at nucleotide position 47. The glycine at codon 16 is replaced by valine, an amino acid with dissimilar properties. This amino acid position is conserved. In addition, this alteration is predicted to be deleterious by in silico analysis. Since supporting evidence is limited at this time, the clinical significance of this alteration remains unclear.

NM_001040108.2(MLH3):c.47G>T (p.Gly16Val)

Gene: MLH3 (mutL homolog 3; minus strand). Cytogenetic location: 14q24.3.
Variant type: single nucleotide variant.
Coding change: c.47G>T on transcript NM_001040108.2 (MANE Select); coding-DNA position 47, G replaced by T.
Protein change: p.Gly16Val; replaces glycine 16 with valine.
Molecular consequence: missense variant.
Genome position (GRCh38, 1-based): chr14:75,049,609, C>A on the plus strand (G>T on the coding strand, the complement: MLH3 is on the minus strand). VCF-style: chr14-75049609-C-A. GRCh37 (hg19) VCF-style: chr14-75516312-C-A.
Other names: c.47G>T, p.Gly16Val (NM_014381.3); short protein forms G16V.
Identifiers: ClinVar variation 2497051 (VCV002497051.2), dbSNP rs2139614769, ClinGen allele CA390451855.